The following is an entry in ClinVar:

NC_000009.11:g.(?_137709604)_(137717770_?)del

Gene: COL5A1 (collagen type V alpha 1 chain; plus strand). Cytogenetic location: 9q34.3.
Variant type: Deletion.
Identifiers: ClinVar variation 2422354 (VCV002422354.2).

ClinVar aggregate classification (germline): Pathogenic (1 of 4 stars; one submission).

Conditions:
Ehlers-Danlos syndrome, classic type, 1 (EDSCL1). Also called: EDS I; EHLERS-DANLOS SYNDROME, GRAVIS TYPE; EHLERS-DANLOS SYNDROME, SEVERE CLASSIC TYPE; Ehlers-Danlos syndrome, type 1; Ehlers-Danlos Syndrome, Classic Type, COL5A1-Related. Identifiers: MedGen C0268335, MONDO:0019567, OMIM 130000.

Submission:

Labcorp Genetics (formerly Invitae), Labcorp
Classification: Pathogenic for Ehlers-Danlos syndrome, classic type, 1. Last evaluated: 2022-06-15. Review status: criteria provided, single submitter. Criteria: Invitae Variant Classification Sherloc (09022015). Collection method: clinical testing. Allele origin: germline.
Comment: For these reasons, this variant has been classified as Pathogenic. This variant disrupts a region of the COL5A1 protein in which other variant(s) (p.Pro1494) have been determined to be pathogenic (Invitae). This suggests that this is a clinically significant region of the protein, and that variants that disrupt it are likely to be disease-causing. This variant disrupts the triple helix domain of COL5A1. Glycine residues within the Gly-Xaa-Yaa repeats of the triple helix domain are required for the structure and stability of fibrillar collagens (PMID: 7695699, 8218237, 19344236), and variants at these glycine residues in COL5A1 are more frequently observed in individuals with disease than in the general population (PMID: 22696272, 23587214). However, the clinical significance of this observation remains uncertain since only a limited number of affected individuals have been described to date. This variant has not been reported in the literature in individuals affected with COL5A1-related conditions. This variant is a gross deletion of the genomic region encompassing exon(s) 54-63 of the COL5A1 gene. This variant would be expected to be in-frame, preserving the integrity of the reading frame.

Literature cited by the submitters: PubMed 7695699; PubMed 8218237; PubMed 19344236; PubMed 22696272; PubMed 23587214.